The following is an entry in ClinVar:

NM_001347721.2(DYRK1A):c.211C>T (p.Arg71Trp)

Gene: DYRK1A (dual specificity tyrosine phosphorylation regulated kinase 1A; plus strand). Cytogenetic location: 21q22.13.
Variant type: single nucleotide variant.
Coding change: c.211C>T on transcript NM_001347721.2 (MANE Select); coding-DNA position 211, C replaced by T.
Protein change: p.Arg71Trp; replaces arginine 71 with tryptophan.
Molecular consequence: missense variant.
Genome position (GRCh38, 1-based): chr21:37,478,211, C>T. VCF-style: chr21-37478211-C-T. GRCh37 (hg19) VCF-style: chr21-38850513-C-T.
Other names: c.211C>T, p.Arg71Trp (NM_001347722.2, NM_130436.2); c.124C>T, p.Arg42Trp (NM_001347723.2); c.238C>T, p.Arg80Trp (NM_001396.5, NM_101395.2, NM_130438.2); short protein forms R42W, R71W, R80W.
Identifiers: ClinVar variation 1345768 (VCV001345768.6), dbSNP rs770246267, ClinGen allele CA10023753.

ClinVar aggregate classification (germline): Uncertain significance (1 of 4 stars; one submission).

Conditions:
DYRK1A-related intellectual disability syndrome (MRD7). Also called: DYRK1A Syndrome; Intellectual developmental disorder, autosomal dominant 7. Identifiers: Orphanet 464306, MedGen C5568143, MONDO:0013578, OMIM 614104.

Allele frequency attached by ClinVar (database versions not stated): ExAC 0.00001; TOPMed 0.00001; gnomAD exomes below 0.00001.

Submission:

Labcorp Genetics (formerly Invitae), Labcorp
Classification: Uncertain significance for DYRK1A-related intellectual disability syndrome. Last evaluated: 2025-03-06. Review status: criteria provided, single submitter. Criteria: Invitae Variant Classification Sherloc (09022015). Collection method: clinical testing. Allele origin: germline.
Comment: This sequence change replaces arginine, which is basic and polar, with tryptophan, which is neutral and slightly polar, at codon 80 of the DYRK1A protein (p.Arg80Trp). This variant is present in population databases (rs770246267, gnomAD 0.007%). This variant has not been reported in the literature in individuals affected with DYRK1A-related conditions. ClinVar contains an entry for this variant (Variation ID: 1345768). Invitae Evidence Modeling of protein sequence and biophysical properties (such as structural, functional, and spatial information, amino acid conservation, physicochemical variation, residue mobility, and thermodynamic stability) has been performed for this missense variant. However, the output from this modeling did not meet the statistical confidence thresholds required to predict the impact of this variant on DYRK1A protein function. In summary, the available evidence is currently insufficient to determine the role of this variant in disease. Therefore, it has been classified as a Variant of Uncertain Significance.